The following is an entry in ClinVar:

ClinVar aggregate classification (germline): Benign/Likely benign. Review status: criteria provided, multiple submitters, no conflicts (2 of 4 stars). 12 submissions from 12 submitters: Benign (5); Likely benign (4). 3 of the submissions do not count toward it. Last evaluated 2026-09-01.

Conditions:
Autosomal dominant cerebellar ataxia. Also called: Spinocerebellar Ataxia, Dominant. Identifiers: Orphanet 99, MedGen C4087347, MONDO:0020380.
ITPR1-related disorder. Also called: ITPR1-related condition.

Allele frequency attached by ClinVar (database versions not stated): 1000 Genomes Project 0.00240; 1000 Genomes Project 30x 0.00312; gnomAD 0.00441 and 0.00470; gnomAD exomes 0.00443 and 0.00647; ExAC 0.00461; ESP Exome Variant Server 0.00509; TOPMed 0.00541.
gnomAD v4.1: 10,069 of 1,613,746 alleles (0.62%); highest among the groups gnomAD compares: Non-Finnish European, 0.76%; 45 homozygotes.

Submissions (12):

CeGaT Center for Human Genetics Tuebingen
Classification: Likely benign. Last evaluated: 2026-09-01. Review status: criteria provided, single submitter. Criteria: CeGaT Center For Human Genetics Tuebingen Variant Classification Criteria Version 2. Collection method: clinical testing. Allele origin: germline. Affected: yes. Observed: 25 variant alleles.
Comment: ITPR1: BP4, BP7, BS2

Labcorp Genetics (formerly Invitae), Labcorp
Classification: Benign. Last evaluated: 2026-02-01. Review status: criteria provided, single submitter. Criteria: Invitae Variant Classification Sherloc (09022015). Collection method: clinical testing. Allele origin: germline.

Blueprint Genetics
Classification: Likely benign. Last evaluated: 2024-11-26. Review status: criteria provided, single submitter. Criteria: ACMG Guidelines, 2015. Collection method: clinical testing. Allele origin: germline.

Athena Diagnostics
Classification: Benign. Last evaluated: 2024-02-02. Review status: criteria provided, single submitter. Criteria: Athena Diagnostics Criteria. Collection method: clinical testing. Allele origin: unknown.

Mayo Clinic Laboratories, Mayo Clinic
Classification: Benign. Last evaluated: 2023-11-13. Review status: criteria provided, single submitter. Criteria: ACMG Guidelines, 2015. Collection method: clinical testing. Allele origin: germline. Observed: 5 variant alleles.
Comment: BA1, BP4, BP7

GeneDx
Classification: Benign. Last evaluated: 2018-11-26. Review status: criteria provided, single submitter. Criteria: GeneDx Variant Classification Process June 2021. Collection method: clinical testing. Allele origin: germline. Affected: yes.

Illumina Laboratory Services, Illumina
Classification: Benign for Spinocerebellar Ataxia, Dominant. Last evaluated: 2018-01-12. Review status: criteria provided, single submitter. Criteria: ICSL Variant Classification Criteria 13 December 2019. Collection method: clinical testing. Allele origin: germline.
Comment: This variant was observed in the ICSL laboratory as part of a predisposition screen in an ostensibly healthy population. It had not been previously curated by ICSL or reported in the Human Gene Mutation Database (HGMD: prior to June 1st, 2018), and was therefore a candidate for classification through an automated scoring system. Utilizing variant allele frequency, disease prevalence and penetrance estimates, and inheritance mode, an automated score was calculated to assess if this variant is too frequent to cause the disease. Based on the score and internal cut-off values, a variant classified as benign is not then subjected to further curation. The score for this variant resulted in a classification of benign for this disease.

Eurofins Ntd Llc (ga)
Classification: Likely benign. Last evaluated: 2014-12-02. Review status: criteria provided, single submitter. Criteria: EGL Classification Definitions 2015. Collection method: clinical testing. Allele origin: germline. Observed: 1 variant allele, 1 heterozygote.

Breakthrough Genomics
Classification: Likely benign. Review status: criteria provided, single submitter. Criteria: ACMG Guidelines, 2015. Collection method: not provided. Allele origin: germline. Inheritance: Autosomal dominant inheritance. Affected: yes.

PreventionGenetics, part of Exact Sciences
Classification: Benign for ITPR1-related condition. Last evaluated: 2019-05-10. Review status: no assertion criteria provided. Collection method: clinical testing. Allele origin: germline. Not counted in ClinVar's aggregate classification.
Comment: This variant is classified as benign based on ACMG/AMP sequence variant interpretation guidelines (Richards et al. 2015 PMID: 25741868, with internal and published modifications).

Clinical Genetics DNA and cytogenetics Diagnostics Lab, Erasmus MC, Erasmus Medical Center
Classification: Likely benign. Review status: no assertion criteria provided. Collection method: clinical testing. Allele origin: germline. Affected: yes. Study: VKGL Data-share Consensus. Not counted in ClinVar's aggregate classification.

Genome Diagnostics Laboratory, University Medical Center Utrecht
Classification: Likely benign. Review status: no assertion criteria provided. Collection method: clinical testing. Allele origin: germline. Affected: yes. Study: VKGL Data-share Consensus. Not counted in ClinVar's aggregate classification.

Literature cited by the submitters: PubMed 20437544 (cited by Athena Diagnostics).

NM_001378452.1(ITPR1):c.2226G>A (p.Ala742=)

Gene: ITPR1 (inositol 1,4,5-trisphosphate receptor type 1; plus strand). Cytogenetic location: 3p26.1.
Variant type: single nucleotide variant.
Coding change: c.2226G>A on transcript NM_001378452.1 (MANE Select); coding-DNA position 2226, G replaced by A.
Protein change: p.Ala742=; no amino-acid change (alanine 742 retained).
Molecular consequence: synonymous variant.
Genome position (GRCh38, 1-based): chr3:4,673,157, G>A. VCF-style: chr3-4673157-G-A. GRCh37 (hg19) VCF-style: chr3-4714841-G-A.
Other names: p.Ala727=; c.2181G>A (NM_002222.6); c.2226G>A, p.Ala742= (NM_001099952.4); c.2181G>A, p.Ala727= (NM_001168272.2, NM_002222.7).
Identifiers: ClinVar variation 195482 (VCV000195482.63), dbSNP rs41289636, ClinGen allele CA201777.
Genomic context (GRCh38, chr3:4,673,157, plus strand): 5'-TCTGGAGCGTGAGCTGTGTGCCCTTGTTCCTTCCTCTAGATATCAGCTGAACCTCTTTGC[G>A]AGGATGTGTCTGGACCGCCAATACCTGGCCATCAACGAAATCTCAGGCCAGCTGGATGTC-3'
Protein context (NP_001365381.1, residues 732-752): SYYRYQLNLF[Ala742=]RMCLDRQYLA